The following is an entry in ClinVar:

NM_000081.4(LYST):c.1615G>A (p.Gly539Arg)

Gene: LYST (lysosomal trafficking regulator; minus strand). Cytogenetic location: 1q42.3.
Variant type: single nucleotide variant.
Coding change: c.1615G>A on transcript NM_000081.4 (MANE Select); coding-DNA position 1615, G replaced by A.
Protein change: p.Gly539Arg; replaces glycine 539 with arginine.
Molecular consequence: missense variant.
Genome position (GRCh38, 1-based): chr1:235,809,203, C>T on the plus strand (G>A on the coding strand, the complement: LYST is on the minus strand). VCF-style: chr1-235809203-C-T. GRCh37 (hg19) VCF-style: chr1-235972503-C-T.
Other names: c.1615G>A, p.Gly539Arg (NM_001301365.1); short protein forms G539R.
Identifiers: ClinVar variation 837162 (VCV000837162.1), dbSNP rs1034354469, ClinGen allele CA39617901.

ClinVar aggregate classification (germline): Uncertain significance (1 of 4 stars; one submission).

Conditions:
Chédiak-Higashi syndrome (CHS). Also called: Chediak-Higashi Syndrome. Identifiers: Orphanet 167, MedGen C0007965, MONDO:0008963, OMIM 214500.

Allele frequency attached by ClinVar (database versions not stated): gnomAD exomes 0.00001; TOPMed 0.00001.
gnomAD v4.1: 8 of 1,614,020 alleles (0.0005%); highest among the groups gnomAD compares: Middle Eastern, 0.016%; no homozygotes.

Submission:

Labcorp Genetics (formerly Invitae), Labcorp
Classification: Uncertain significance for ChÃ©diak-Higashi syndrome. Last evaluated: 2019-05-31. Review status: criteria provided, single submitter. Criteria: Invitae Variant Classification Sherloc (09022015). Collection method: clinical testing. Allele origin: germline.
Comment: This sequence change replaces glycine with arginine at codon 539 of the LYST protein (p.Gly539Arg). The glycine residue is moderately conserved and there is a moderate physicochemical difference between glycine and arginine. This variant is not present in population databases (ExAC no frequency). This variant has not been reported in the literature in individuals with LYST-related conditions. Algorithms developed to predict the effect of missense changes on protein structure and function are either unavailable or do not agree on the potential impact of this missense change (SIFT: "Deleterious"; PolyPhen-2: "Probably Damaging"; Align-GVGD: "Class C0"). In summary, the available evidence is currently insufficient to determine the role of this variant in disease. Therefore, it has been classified as a Variant of Uncertain Significance.